The following is an entry in ClinVar:

ClinVar aggregate classification (germline): Uncertain significance (1 of 4 stars; one submission).

Conditions:
Tuberous sclerosis 1 (TSC1). Identifiers: Orphanet 805, MedGen C1854465, MONDO:0008612, OMIM 191100.

Submission:

Labcorp Genetics (formerly Invitae), Labcorp
Classification: Uncertain significance for Tuberous sclerosis 1. Last evaluated: 2021-02-27. Review status: criteria provided, single submitter. Criteria: Invitae Variant Classification Sherloc (09022015). Collection method: clinical testing. Allele origin: germline.
Comment: This variant has not been reported in the literature in individuals with TSC1-related conditions. This sequence change falls in intron 17 of the TSC1 gene. It does not directly change the encoded amino acid sequence of the TSC1 protein. This variant is not present in population databases (ExAC no frequency). Algorithms developed to predict the effect of sequence changes on RNA splicing suggest that this variant may disrupt the consensus splice site, but this prediction has not been confirmed by published transcriptional studies. In summary, the available evidence is currently insufficient to determine the role of this variant in disease. Therefore, it has been classified as a Variant of Uncertain Significance.

NM_000368.5(TSC1):c.2209-10T>G

Gene: TSC1 (TSC complex subunit 1; minus strand). Cytogenetic location: 9q34.13.
Variant type: single nucleotide variant.
Coding change: c.2209-10T>G on transcript NM_000368.5 (MANE Select); 10 bases into the intron before coding-DNA position 2209, T replaced by G.
Molecular consequence: intron variant.
Genome position (GRCh38, 1-based): chr9:132,902,797, A>C on the plus strand (T>G on the coding strand, the complement: TSC1 is on the minus strand). VCF-style: chr9-132902797-A-C. GRCh37 (hg19) VCF-style: chr9-135778184-A-C.
Other names: c.1846-10T>G (NM_001362177.2); c.2056-10T>G (NM_001162427.2); c.2206-10T>G (NM_001162426.2).
Identifiers: ClinVar variation 1427159 (VCV001427159.8), dbSNP rs2131742414, ClinGen allele CA2573144238.